The following is an entry in ClinVar:

ClinVar aggregate classification (germline): Uncertain significance. Review status: criteria provided, multiple submitters, no conflicts (2 of 4 stars). 2 submissions from 2 submitters: Uncertain significance (2). Last evaluated 2024-08-04.

Conditions:
Jervell and Lange-Nielsen syndrome 1 (JLNS1). Also called: PROLONGED QT INTERVAL IN EKG AND SUDDEN DEATH; SURDO-CARDIAC SYNDROME; CARDIOAUDITORY SYNDROME OF JERVELL AND LANGE-NIELSEN; DEAFNESS, CONGENITAL, AND FUNCTIONAL HEART DISEASE. Identifiers: Orphanet 768, Orphanet 90647, MedGen C4551509, MONDO:0024540, OMIM 220400.
Long QT syndrome (LQTS). Identifiers: MedGen C0023976, MeSH D008133, MONDO:0002442. Disease mechanism: loss of function. Inheritance: Various modes of inheritance.

gnomAD v4.1: 5 of 1,613,032 alleles (0.00031%); highest among the groups gnomAD compares: Non-Finnish European, 0.00042%; no homozygotes.

Submissions (2):

Labcorp Genetics (formerly Invitae), Labcorp
Classification: Uncertain significance for Long QT syndrome. Last evaluated: 2024-08-04. Review status: criteria provided, single submitter. Criteria: Invitae Variant Classification Sherloc (09022015). Collection method: clinical testing. Allele origin: germline.
Comment: This sequence change replaces cysteine, which is neutral and slightly polar, with tyrosine, which is neutral and polar, at codon 214 of the KCNQ1 protein (p.Cys214Tyr). This variant is present in population databases (rs142496309, gnomAD 0.003%). This variant has not been reported in the literature in individuals affected with KCNQ1-related conditions. Advanced modeling of protein sequence and biophysical properties (such as structural, functional, and spatial information, amino acid conservation, physicochemical variation, residue mobility, and thermodynamic stability) has been performed at Invitae for this missense variant, however the output from this modeling did not meet the statistical confidence thresholds required to predict the impact of this variant on KCNQ1 protein function. In summary, the available evidence is currently insufficient to determine the role of this variant in disease. Therefore, it has been classified as a Variant of Uncertain Significance.

Victorian Clinical Genetics Services, Murdoch Childrens Research Institute
Classification: Uncertain significance for Jervell and Lange-Nielsen syndrome 1. Last evaluated: 2020-10-19. Review status: criteria provided, single submitter. Criteria: ACMG Guidelines, 2015. Collection method: clinical testing. Allele origin: germline. Inheritance: Autosomal recessive inheritance.
Comment: Based on the classification scheme VCGS_Germline_v1.3.3, this variant is classified as 3B-VUS. Following criteria are met: 0103 - Dominant negative, loss of function and gain of function are known mechanisms of disease in this gene. Gain of function mutations result exclusively in Short QT syndrome (MIM#609621), while dominant negative and loss of function mutations can cause Long QT syndrome (LQTS, MIM#192500), atrial fibrillation (MIM#607554) and Jervell and Lange-Nielsen syndrome (JLNS, MIM#220400) (OMIM, PMIDs: 19632626, 28438721). (I) 0108 - This gene is known to be associated with both recessive and dominant disease. JLNS is characterized by congenital, bilateral deafness and variable degrees of QT prolongation, and is the only condition caused by biallelic mutations (PMID: 28438721). (I) 0112 - The condition associated with this gene has incomplete penetrance (PMID: 20301308, OMIM). (I) 0200 - Variant is predicted to result in a missense amino acid change from cysteine to tyrosine. (I) 0251 - This variant is heterozygous. (I) 0304 - Variant is present in gnomAD <0.01 for a recessive condition (v2: 4 heterozygotes, 0 homozygotes). (SP) 0502 - Missense variant with conflicting in silico predictions and uninformative conservation. (I) 0600 - Variant is located in the annotated Ion transport protein domain (PDB, NCBI). (I) 0710 - Another missense variant comparable to the one identified in this case has inconclusive previous evidence for pathogenicity. A different variant in the same codon resulting in a change to a tryptophan has been reported as a VUS in ClinVar. (I) 0807 - This variant has no previous evidence of pathogenicity. (I) 0905 - No published segregation evidence has been identified for this variant. (I) 1007 - No published functional evidence has been identified for this variant. (I) 1208 - Inheritance information for this variant is not currently available in this individual. (I) Legend: (SP) - Supporting pathogenic, (I) - Information, (SB) - Supporting benign

Literature cited by the submitters: PubMed 19632626 (cited by Victorian Clinical Genetics Services, Murdoch Childrens Research Institute); PubMed 20301308 (cited by Victorian Clinical Genetics Services, Murdoch Childrens Research Institute); PubMed 28438721 (cited by Victorian Clinical Genetics Services, Murdoch Childrens Research Institute).

NM_000218.3(KCNQ1):c.641G>A (p.Cys214Tyr)

Gene: KCNQ1 (potassium voltage-gated channel subfamily Q member 1; plus strand). Cytogenetic location: 11p15.5.
Variant type: single nucleotide variant.
Coding change: c.641G>A on transcript NM_000218.3 (MANE Select); coding-DNA position 641, G replaced by A.
Protein change: p.Cys214Tyr; replaces cysteine 214 with tyrosine.
Molecular consequence: missense variant. On other transcripts: intron variant (1).
Genome position (GRCh38, 1-based): chr11:2,571,361, G>A. VCF-style: chr11-2571361-G-A. GRCh37 (hg19) VCF-style: chr11-2592591-G-A.
Other names: c.641G>A, p.Cys214Tyr (NM_001406836.1); c.371G>A, p.Cys124Tyr (NM_001406837.1); c.260G>A, p.Cys87Tyr (NM_181798.2); c.478-12074G>A (NM_001406838.1); short protein forms C124Y, C214Y, C87Y.
Identifiers: ClinVar variation 3377499 (VCV003377499.3).
Genomic context (GRCh38, chr11:2,571,361, plus strand): 5'-CTCCCCCTCTCCTGCACTCCACAGACCTCATCGTGGTCGTGGCCTCCATGGTGGTCCTCT[G>A]CGTGGGCTCCAAGGGGCAGGTGTTTGCCACGTCGGCCATCAGGTGCGTCTGTGCCACAAG-3'
Protein context (NP_000209.2, residues 204-224): IVVVASMVVL[Cys214Tyr]VGSKGQVFAT